The following is an entry in ClinVar:

NM_002470.4(MYH3):c.1881G>A (p.Thr627=)

Gene: MYH3 (myosin heavy chain 3; minus strand). Cytogenetic location: 17p13.1.
Variant type: single nucleotide variant.
Coding change: c.1881G>A on transcript NM_002470.4 (MANE Select); coding-DNA position 1881, G replaced by A.
Protein change: p.Thr627=; no amino-acid change (threonine 627 retained).
Molecular consequence: synonymous variant.
Genome position (GRCh38, 1-based): chr17:10,642,424, C>T on the plus strand (G>A on the coding strand, the complement: MYH3 is on the minus strand). VCF-style: chr17-10642424-C-T. GRCh37 (hg19) VCF-style: chr17-10545741-C-T.
Identifiers: ClinVar variation 891614 (VCV000891614.12), dbSNP rs140144159, ClinGen allele CA8392925.
Genomic context (GRCh38, chr17:10,642,424, plus strand): 5'-TTACTGTGGAACAAATGGAGGGAAATCACATGGACACAAAGCACTCCTCTTACCATCCGC[C>T]GTGGCAAACGTGGCATAGAGGTGTGCCAGGAGCCTGTTGGAAGACTTCTGGTACAGCCCA-3'
Protein context (NP_002461.2, residues 617-637): LLAHLYATFA[Thr627=]ADADSGKKKV

ClinVar aggregate classification (germline): Conflicting classifications of pathogenicity. Review status: criteria provided, conflicting classifications (1 of 4 stars). 4 submissions from 3 submitters: Uncertain significance (1); Benign (2); Likely benign (1). Last evaluated 2025-12-08.

Conditions:
Freeman-Sheldon syndrome (DA2A). Also called: Arthrogryposis, distal, type 2A (Freeman-Sheldon); WHISTLING FACE-WINDMILL VANE HAND SYNDROME; CRANIOCARPOTARSAL DYSPLASIA; CRANIOCARPOTARSAL DYSTROPHY. Identifiers: Orphanet 2053, MedGen C0265224, MONDO:0008675, OMIM 193700.
Distal arthrogryposis type 2B1 (DA2B1). Also called: Arthrogryposis multiplex congenita distal type II with craniofacial abnormalities. Identifiers: Orphanet 1147, MedGen C5193014, MONDO:0020820, OMIM 601680.
MYH3-related disorder. Also called: MYH3-related condition; MYH3-Related Disorders. Identifiers: MedGen CN239329.

Allele frequency attached by ClinVar (database versions not stated): gnomAD exomes 0.00005 and 0.00010; ExAC 0.00010; ESP Exome Variant Server 0.00023; TOPMed 0.00026; 1000 Genomes Project 30x 0.00031; gnomAD 0.00032 and 0.00035; 1000 Genomes Project 0.00040.
gnomAD v4.1: 131 of 1,614,148 alleles (0.0081%); highest among the groups gnomAD compares: African/African-American, 0.1%; 1 homozygote.

Submissions (4):

Labcorp Genetics (formerly Invitae), Labcorp
Classification: Benign. Last evaluated: 2025-12-08. Review status: criteria provided, single submitter. Criteria: Invitae Variant Classification Sherloc (09022015). Collection method: clinical testing. Allele origin: germline.

PreventionGenetics, part of Exact Sciences
Classification: Likely benign for MYH3-related condition. Last evaluated: 2025-04-17. Review status: criteria provided, single submitter. Criteria: ACMG Guidelines, 2015. Collection method: clinical testing. Allele origin: germline.
Comment: This variant is classified as likely benign based on ACMG/AMP sequence variant interpretation guidelines (Richards et al. 2015 PMID: 25741868, with internal and published modifications).

Illumina Laboratory Services, Illumina
Classification: Uncertain significance for Distal arthrogryposis type 2B1. Last evaluated: 2018-01-13. Review status: criteria provided, single submitter. Criteria: ICSL Variant Classification Criteria 13 December 2019. Collection method: clinical testing. Allele origin: germline.

Illumina Laboratory Services, Illumina
Classification: Benign for Freeman-Sheldon syndrome. Last evaluated: 2018-01-13. Review status: criteria provided, single submitter. Criteria: ICSL Variant Classification Criteria 13 December 2019. Collection method: clinical testing. Allele origin: germline.
Comment: This variant was observed in the ICSL laboratory as part of a predisposition screen in an ostensibly healthy population. It had not been previously curated by ICSL or reported in the Human Gene Mutation Database (HGMD: prior to June 1st, 2018), and was therefore a candidate for classification through an automated scoring system. Utilizing variant allele frequency, disease prevalence and penetrance estimates, and inheritance mode, an automated score was calculated to assess if this variant is too frequent to cause the disease. Based on the score and internal cut-off values, a variant classified as benign is not then subjected to further curation. The score for this variant resulted in a classification of benign for this disease.